The following is an entry in ClinVar:

ClinVar aggregate classification (germline): Uncertain significance (1 of 4 stars; one submission).

Conditions:
Rheumatoid arthritis (RA). Also called: RHEUMATOID ARTHRITIS, SUSCEPTIBILITY TO. Identifiers: MedGen C0003873, MONDO:0008383, OMIM 180300, HP:0001370.

Allele frequency attached by ClinVar (database versions not stated): TOPMed below 0.00001; ExAC 0.00001; gnomAD exomes 0.00001.
gnomAD v4.1: 14 of 1,556,834 alleles (0.0009%); highest among the groups gnomAD compares: East Asian, 0.017%; no homozygotes.

Submission:

Neuberg Centre For Genomic Medicine, NCGM
Classification: Uncertain significance for Rheumatoid arthritis. Review status: criteria provided, single submitter. Criteria: ACMG Guidelines, 2015. Collection method: clinical testing. Allele origin: germline. Inheritance: Autosomal dominant inheritance. Affected: yes.
Comment: The splice site c.1894+2T>C variant has not been reported previously as a pathogenic variant nor as a benign variant, to our knowledge. The variant is reported with the allele frequency of 0.0009044% in gnomAD and is novel (not in any individuals) in 1000 Genomes. The nucleotide change in PTPN22 is predicted as conserved by GERP++ and PhyloP across 100 vertebrates. For these reasons, this variant has been classified as Uncertain Significance.

NM_015967.8(PTPN22):c.1894+2T>C

Genes: AP4B1-AS1 (AP4B1 antisense RNA 1; plus strand), PTPN22 (protein tyrosine phosphatase non-receptor type 22; minus strand). Cytogenetic location: 1p13.2.
Variant type: single nucleotide variant.
Coding change: c.1894+2T>C on transcript NM_015967.8 (MANE Select); the canonical splice donor site of the intron after coding-DNA position 1894, T replaced by C.
Molecular consequence: splice donor variant.
Genome position (GRCh38, 1-based): chr1:113,834,908, A>G on the plus strand (T>C on the coding strand, the complement: PTPN22 is on the minus strand). VCF-style: chr1-113834908-A-G. GRCh37 (hg19) VCF-style: chr1-114377530-A-G.
Other names: c.1822+2T>C (NM_001308297.2); c.1729+2T>C (NM_012411.6); c.1894+2T>C (NM_001193431.3).
Identifiers: ClinVar variation 2585350 (VCV002585350.1), dbSNP rs745646055, ClinGen allele CA1014935.